The following is an entry in ClinVar:

NM_001035.3(RYR2):c.5648C>A (p.Ala1883Asp)

Gene: RYR2 (ryanodine receptor 2; plus strand). Cytogenetic location: 1q43.
Variant type: single nucleotide variant.
Coding change: c.5648C>A on transcript NM_001035.3 (MANE Select); coding-DNA position 5648, C replaced by A.
Protein change: p.Ala1883Asp; replaces alanine 1883 with aspartic acid.
Molecular consequence: missense variant.
Genome position (GRCh38, 1-based): chr1:237,614,776, C>A. VCF-style: chr1-237614776-C-A. GRCh37 (hg19) VCF-style: chr1-237778076-C-A.
Other names: short protein forms A1883D.
Identifiers: ClinVar variation 919701 (VCV000919701.3), dbSNP rs1678279011, ClinGen allele CA345405624.

ClinVar aggregate classification (germline): Uncertain significance (1 of 4 stars; one submission).

Conditions:
Cardiomyopathy (CMYO). Also called: Cardiomyopathies. Identifiers: Orphanet 167848, MedGen C0878544, MONDO:0004994, HP:0001638. Inheritance: Various modes of inheritance.

Allele frequency attached by ClinVar (database versions not stated): gnomAD exomes below 0.00001; TOPMed below 0.00001.
gnomAD v4.1: 1 of 1,610,734 alleles (0.000062%); highest among the groups gnomAD compares: South Asian, 0.0011%; no homozygotes.

Submission:

Color Diagnostics, LLC DBA Color Health
Classification: Uncertain significance for Cardiomyopathy. Last evaluated: 2021-02-19. Review status: criteria provided, single submitter. Criteria: ACMG Guidelines, 2015. Collection method: clinical testing. Allele origin: germline.
Comment: This variant is located in the RYR2 protein. Computational prediction suggests that this variant may not impact protein structure and function (internally defined REVEL score threshold <= 0.5, PMID: 27666373). To our knowledge, functional studies have not been reported for this variant. This variant has not been reported in individuals affected with cardiovascular disorders in the literature. This variant has not been identified in the general population by the Genome Aggregation Database (gnomAD). The available evidence is insufficient to determine the role of this variant in disease conclusively. Therefore, this variant is classified as a Variant of Uncertain Significance.